The following is an entry in ClinVar:

NM_001369268.1(ACAN):c.7123G>C (p.Asp2375His)

Gene: ACAN (aggrecan; plus strand). Cytogenetic location: 15q26.1.
Variant type: single nucleotide variant.
Coding change: c.7123G>C on transcript NM_001369268.1 (MANE Select); coding-DNA position 7123, G replaced by C.
Protein change: p.Asp2375His; replaces aspartic acid 2375 with histidine.
Molecular consequence: missense variant.
Genome position (GRCh38, 1-based): chr15:88,871,444, G>C. VCF-style: chr15-88871444-G-C. GRCh37 (hg19) VCF-style: chr15-89414675-G-C.
Other names: c.6895G>C, p.Asp2299His (NM_001135.4); c.7009G>C, p.Asp2337His (NM_013227.4); c.7009G>C (NM_013227.3); short protein forms D2299H, D2337H, D2375H.
Identifiers: ClinVar variation 1660900 (VCV001660900.12), dbSNP rs772883781, ClinGen allele CA7720567.

ClinVar aggregate classification (germline): Conflicting classifications of pathogenicity. Review status: criteria provided, conflicting classifications (1 of 4 stars). 3 submissions from 3 submitters: Uncertain significance (2); Likely benign (1). Last evaluated 2026-01-17.

Conditions:
Inborn genetic diseases. Identifiers: MedGen C0950123, MeSH D030342.

Allele frequency attached by ClinVar (database versions not stated): gnomAD exomes 0.00002 and 0.00010; TOPMed 0.00004; ExAC 0.00009.
gnomAD v4.1: 45 of 1,613,840 alleles (0.0028%); highest among the groups gnomAD compares: East Asian, 0.062%; no homozygotes.

Submissions (3):

Labcorp Genetics (formerly Invitae), Labcorp
Classification: Likely benign. Last evaluated: 2026-01-17. Review status: criteria provided, single submitter. Criteria: Invitae Variant Classification Sherloc (09022015). Collection method: clinical testing. Allele origin: germline.

Ambry Genetics
Classification: Uncertain significance for Inborn genetic diseases. Last evaluated: 2025-08-09. Review status: criteria provided, single submitter. Criteria: Ambry Variant Classification Scheme 2023. Collection method: clinical testing. Allele origin: germline.

Women's Health and Genetics/Laboratory Corporation of America, LabCorp
Classification: Uncertain significance. Last evaluated: 2025-05-26. Review status: criteria provided, single submitter. Criteria: LabCorp Variant Classification Summary - May 2015. Collection method: clinical testing. Allele origin: germline.
Comment: Variant summary: ACAN c.7123G>C (p.Asp2375His) results in a non-conservative amino acid change in the encoded protein sequence. Algorithms developed to predict the effect of missense changes on protein structure and function are either unavailable or do not agree on the potential impact of this missense change. The variant allele was found at a frequency of 9.7e-05 in 248672 control chromosomes. This frequency is not significantly higher than estimated for a pathogenic variant in ACAN causing ACAN-Related Disorders, allowing no conclusion about variant significance. To our knowledge, no occurrence of c.7123G>C in individuals affected with ACAN-Related Disorders and no experimental evidence demonstrating its impact on protein function have been reported. ClinVar contains an entry for this variant (Variation ID: 1660900). Based on the evidence outlined above, the variant was classified as uncertain significance.